The following is an entry in ClinVar:

ClinVar aggregate classification (germline): Benign. Review status: criteria provided, multiple submitters, no conflicts (2 of 4 stars). 2 submissions from 2 submitters: Benign (2). Last evaluated 2023-11-12.

Submissions (2):

Unidad de Genómica Garrahan, Hospital de Pediatría Garrahan
Classification: Benign. Last evaluated: 2023-11-12. Review status: criteria provided, single submitter. Criteria: ACMG Guidelines, 2015. Collection method: clinical testing. Allele origin: germline. Affected: no. Observed: 64 variant alleles.
Comment: This variant is classified as Benign based on local population frequency. This variant was detected in 67% of patients studied by a panel of primary immunodeficiencies. Number of patients: 64. Only high quality variants are reported.

GeneDx
Classification: Benign. Last evaluated: 2019-08-19. Review status: criteria provided, single submitter. Criteria: GeneDx Variant Classification Process June 2021. Collection method: clinical testing. Allele origin: germline. Affected: yes.

NM_000051.4(ATM):c.663-144del

Gene: ATM (ATM serine/threonine kinase; plus strand). Cytogenetic location: 11q22.3.
Variant type: Deletion.
Coding change: c.663-144del on transcript NM_000051.4 (MANE Select); 144 bases into the intron before coding-DNA position 663, one base deleted (T; older notation c.663-144delT).
Molecular consequence: intron variant.
Genome position (GRCh38, 1-based): chr11:108,244,644, T deleted; the last of 11 consecutive T bases (chr11:108,244,634-108,244,644); deleting any one gives the same sequence. VCF-style (leftmost placement, unchanged base first): chr11-108244633-AT-A. GRCh37 (hg19) VCF-style: chr11-108115360-AT-A.
Other names: c.663-144del (NM_001351834.2).
Identifiers: ClinVar variation 1257474 (VCV001257474.4), dbSNP rs11298747, ClinGen allele CA228384414.